The following is an entry in ClinVar:

ClinVar aggregate classification (germline): Uncertain significance (1 of 4 stars; one submission).

Allele frequency attached by ClinVar (database versions not stated): TOPMed below 0.00001; gnomAD exomes 0.00001.
gnomAD v4.1: 10 of 1,613,962 alleles (0.00062%); highest among the groups gnomAD compares: South Asian, 0.0011%; no homozygotes.

Submission:

Labcorp Genetics (formerly Invitae), Labcorp
Classification: Uncertain significance. Last evaluated: 2021-06-16. Review status: criteria provided, single submitter. Criteria: Invitae Variant Classification Sherloc (09022015). Collection method: clinical testing. Allele origin: germline.
Comment: In summary, the available evidence is currently insufficient to determine the role of this variant in disease. Therefore, it has been classified as a Variant of Uncertain Significance. Algorithms developed to predict the effect of missense changes on protein structure and function are either unavailable or do not agree on the potential impact of this missense change (SIFT: "Tolerated"; PolyPhen-2: "Probably Damaging"; Align-GVGD: "Class C0"). This variant has not been reported in the literature in individuals with RAB3GAP1-related conditions. This variant is not present in population databases (ExAC no frequency). This sequence change replaces glutamic acid with lysine at codon 582 of the RAB3GAP1 protein (p.Glu582Lys). The glutamic acid residue is highly conserved and there is a small physicochemical difference between glutamic acid and lysine.

NM_012233.3(RAB3GAP1):c.1744G>A (p.Glu582Lys)

Gene: RAB3GAP1 (RAB3 GTPase activating protein catalytic subunit 1; plus strand). Cytogenetic location: 2q21.3.
Variant type: single nucleotide variant.
Coding change: c.1744G>A on transcript NM_012233.3 (MANE Select); coding-DNA position 1744, G replaced by A.
Protein change: p.Glu582Lys; replaces glutamic acid 582 with lysine.
Molecular consequence: missense variant.
Genome position (GRCh38, 1-based): chr2:135,135,753, G>A. VCF-style: chr2-135135753-G-A. GRCh37 (hg19) VCF-style: chr2-135893323-G-A.
Other names: c.1744G>A, p.Glu582Lys (NM_001172435.2); short protein forms E582K.
Identifiers: ClinVar variation 1367991 (VCV001367991.8), dbSNP rs941894629, ClinGen allele CA56571533.